The following is an entry in ClinVar:

ClinVar aggregate classification (germline): Uncertain significance. Review status: criteria provided, multiple submitters, no conflicts (2 of 4 stars). 2 submissions from 2 submitters: Uncertain significance (2). Last evaluated 2026-03-27.

Conditions:
GNPTG-mucolipidosis. Also called: ML III GAMMA; ML IIIC; Mucolipidosis type III gamma; MUCOLIPIDOSIS III, COMPLEMENTATION GROUP C; MUCOLIPIDOSIS III, IRANIAN VARIANT FORM; MUCOLIPIDOSIS III, VARIANT FORM. Identifiers: Orphanet 423470, Orphanet 577, MedGen C1854896, MONDO:0009652, OMIM 252605.

Allele frequency attached by ClinVar (database versions not stated): gnomAD exomes 0.00002; TOPMed 0.00002; gnomAD 0.00003; ExAC 0.00005; ESP Exome Variant Server 0.00015; 1000 Genomes Project 0.00020; 1000 Genomes Project 30x 0.00031.
gnomAD v4.1: 13 of 1,613,742 alleles (0.00081%); highest among the groups gnomAD compares: African/African-American, 0.004%; no homozygotes.

Submissions (2):

Myriad Genetics, Inc.
Classification: Uncertain significance for GNPTG-mucolipidosis. Last evaluated: 2026-03-27. Review status: criteria provided, single submitter. Criteria: Myriad Autosomal Dominant, Autosomal Recessive and X-Linked Classification Criteria (2023). Collection method: clinical testing. Allele origin: unknown.
Comment: NM_032520.4(GNPTG):c.277G>A(E93K) is a missense variant classified as a variant of uncertain significance in the context of mucolipidosis III gamma. E93K has been observed in a case with relevant disease (PMID: 34791078). Relevant functional assessments of this variant are not available in the literature. E93K has been observed in referenced population frequency databases. In summary, there is insufficient evidence to classify NM_032520.4(GNPTG):c.277G>A(E93K) as pathogenic or benign. Please note: this variant was assessed in the context of healthy population screening.

Women's Health and Genetics/Laboratory Corporation of America, LabCorp
Classification: Uncertain significance. Last evaluated: 2023-08-17. Review status: criteria provided, single submitter. Criteria: LabCorp Variant Classification Summary - May 2015. Collection method: clinical testing. Allele origin: germline.

Literature cited by the submitters: PubMed 34791078 (cited by Myriad Genetics, Inc.).

NM_032520.5(GNPTG):c.277G>A (p.Glu93Lys)

Gene: GNPTG (N-acetylglucosamine-1-phosphate transferase subunit gamma; plus strand). Cytogenetic location: 16p13.3.
Variant type: single nucleotide variant.
Coding change: c.277G>A on transcript NM_032520.5 (MANE Select); coding-DNA position 277, G replaced by A.
Protein change: p.Glu93Lys; replaces glutamic acid 93 with lysine.
Molecular consequence: missense variant.
Genome position (GRCh38, 1-based): chr16:1,361,915, G>A. VCF-style: chr16-1361915-G-A. GRCh37 (hg19) VCF-style: chr16-1411916-G-A.
Other names: short protein forms E93K.
Identifiers: ClinVar variation 2581192 (VCV002581192.2), dbSNP rs201531462, ClinGen allele CA7807579.